The following is an entry in ClinVar:

ClinVar aggregate classification (germline): Benign/Likely benign. Review status: criteria provided, multiple submitters, no conflicts (2 of 4 stars). 3 submissions from 3 submitters: Benign (1); Likely benign (2). Last evaluated 2026-07-01.

Allele frequency attached by ClinVar (database versions not stated): 1000 Genomes Project 30x 0.00109; 1000 Genomes Project 0.00120; gnomAD exomes 0.00175; gnomAD 0.00179 and 0.00181; TOPMed 0.00179; ESP Exome Variant Server 0.00232; ExAC 0.00290.
gnomAD v4.1: 3,959 of 1,594,170 alleles (0.25%); highest among the groups gnomAD compares: Non-Finnish European, 0.3%; 2 homozygotes.

Submissions (3):

CeGaT Center for Human Genetics Tuebingen
Classification: Likely benign. Last evaluated: 2026-07-01. Review status: criteria provided, single submitter. Criteria: CeGaT Center For Human Genetics Tuebingen Variant Classification Criteria Version 2. Collection method: clinical testing. Allele origin: germline. Affected: yes. Observed: 10 variant alleles.
Comment: APC2: BP4, BP7

Labcorp Genetics (formerly Invitae), Labcorp
Classification: Benign. Last evaluated: 2025-12-08. Review status: criteria provided, single submitter. Criteria: Invitae Variant Classification Sherloc (09022015). Collection method: clinical testing. Allele origin: germline.

Blueprint Genetics
Classification: Likely benign. Last evaluated: 2024-10-07. Review status: criteria provided, single submitter. Criteria: ACMG Guidelines, 2015. Collection method: clinical testing. Allele origin: germline.

NM_005883.3(APC2):c.5142C>T (p.Ser1714=)

Gene: APC2 (APC regulator of Wnt signaling pathway 2; plus strand). Cytogenetic location: 19p13.3.
Variant type: single nucleotide variant.
Coding change: c.5142C>T on transcript NM_005883.3 (MANE Select); coding-DNA position 5142, C replaced by T.
Protein change: p.Ser1714=; no amino-acid change (serine 1714 retained).
Molecular consequence: synonymous variant.
Genome position (GRCh38, 1-based): chr19:1,468,443, C>T. VCF-style: chr19-1468443-C-T. GRCh37 (hg19) VCF-style: chr19-1468442-C-T.
Other names: c.5139C>T, p.Ser1713= (NM_001351273.1).
Identifiers: ClinVar variation 731682 (VCV000731682.34), dbSNP rs113191430, ClinGen allele CA9045971.